The following is an entry in ClinVar:

NM_138393.4(REEP6):c.259A>G (p.Thr87Ala)

Gene: REEP6 (receptor accessory protein 6; plus strand). Cytogenetic location: 19p13.3.
Variant type: single nucleotide variant.
Coding change: c.259A>G on transcript NM_138393.4 (MANE Select); coding-DNA position 259, A replaced by G.
Protein change: p.Thr87Ala; replaces threonine 87 with alanine.
Molecular consequence: missense variant.
Genome position (GRCh38, 1-based): chr19:1,495,518, A>G. VCF-style: chr19-1495518-A-G. GRCh37 (hg19) VCF-style: chr19-1495517-A-G.
Other names: c.259A>G, p.Thr87Ala (NM_001329556.3); c.259A>G (NM_138393.1); short protein forms T87A.
Identifiers: ClinVar variation 1407828 (VCV001407828.7), dbSNP rs768458735, ClinGen allele CA304100129.

ClinVar aggregate classification (germline): Uncertain significance. Review status: criteria provided, multiple submitters, no conflicts (2 of 4 stars). 2 submissions from 2 submitters: Uncertain significance (2). Last evaluated 2024-11-14.

Conditions:
Inborn genetic diseases. Identifiers: MedGen C0950123, MeSH D030342.

Allele frequency attached by ClinVar (database versions not stated): TOPMed below 0.00001; gnomAD 0.00001.
gnomAD v4.1: 1 of 1,613,912 alleles (0.000062%); highest among the groups gnomAD compares: African/African-American, 0.0013%; no homozygotes.

Submissions (2):

Ambry Genetics
Classification: Uncertain significance for Inborn genetic diseases. Last evaluated: 2024-11-14. Review status: criteria provided, single submitter. Criteria: Ambry Variant Classification Scheme 2023. Collection method: clinical testing. Allele origin: germline.

Labcorp Genetics (formerly Invitae), Labcorp
Classification: Uncertain significance. Last evaluated: 2024-11-04. Review status: criteria provided, single submitter. Criteria: Invitae Variant Classification Sherloc (09022015). Collection method: clinical testing. Allele origin: germline.
Comment: This sequence change replaces threonine with alanine at codon 87 of the REEP6 protein (p.Thr87Ala). The threonine residue is highly conserved and there is a small physicochemical difference between threonine and alanine. This variant is not present in population databases (gnomAD no frequency). This variant has not been reported in the literature in individuals affected with REEP6-related conditions. ClinVar contains an entry for this variant (Variation ID: 1407828). Experimental studies and prediction algorithms are not available or were not evaluated, and the functional significance of this variant is currently unknown. In summary, the available evidence is currently insufficient to determine the role of this variant in disease. Therefore, it has been classified as a Variant of Uncertain Significance.